The following is an entry in ClinVar:

NM_000202.8(IDS):c.733G>T (p.Glu245Ter)

Genes: IDS (iduronate 2-sulfatase; minus strand), LOC106050102 (IDS recombination region; plus strand). Cytogenetic location: Xq28.
Variant type: single nucleotide variant.
Coding change: c.733G>T on transcript NM_000202.8 (MANE Select); coding-DNA position 733, G replaced by T.
Protein change: p.Glu245Ter; replaces glutamic acid 245 with a stop codon.
Molecular consequence: nonsense. On other transcripts: non-coding transcript variant (1).
Genome position (GRCh38, 1-based): chrX:149,496,492, C>A on the plus strand (G>T on the coding strand, the complement: IDS is on the minus strand). VCF-style: chrX-149496492-C-A. GRCh37 (hg19) VCF-style: chrX-148578023-C-A.
Other names: NC_000023.10:g.148578023C>A; c.463G>T, p.Glu155Ter (NM_001166550.4); c.733G>T, p.Glu245Ter (NM_006123.5); short protein forms E155*, E245*.
Identifiers: ClinVar variation 3255826 (VCV003255826.3).

ClinVar aggregate classification (germline): Pathogenic (1 of 4 stars; one submission).

Conditions:
Mucopolysaccharidosis, MPS-II (MPS2). Also called: Hunter Syndrome; IDURONATE 2-SULFATASE DEFICIENCY; Mucopolysaccharidosis Type II; Mucopolysaccharidosis type 2; Attenuated MPS (subtype; formerly known as mild MPS II); Severe MPS II. Identifiers: Orphanet 580, Orphanet 79388, MedGen C0026705, MONDO:0010674, OMIM 309900.

Submissions (3):

Laboratory of Diagnosis and Therapy of Lysosomal Disorders, University of Padova
Classification: Pathogenic for Mucopolysaccharidosis, MPS-II. Last evaluated: 2024-06-07. Review status: criteria provided, single submitter. Criteria: ACMG Guidelines, 2015. Collection method: literature only. Allele origin: germline. Affected: yes. Observed: 2 variant alleles.
Comment: Null variant (PVS1_VeryStrong), Absent from controls (or at low frequency) in gnomAD database (PM2_Moderate), Patient’s phenotype or family history highly specific for the disease (PP4_Moderate)

Classification method: ACMG Guidelines [PMID:25741868] with modifications

Dr. Peter K. Rogan Lab, Western University
No classification provided (evidence only). Condition: Thyroid cancer, nonmedullary, 1. Review status: no classification provided. Collection method: in vitro. Allele origin: not applicable. Functional consequence: retained intron. Not counted in ClinVar's aggregate classification.

Dr. Peter K. Rogan Lab, Western University
No classification provided (evidence only). Condition: Thyroid cancer, nonmedullary, 1. Review status: no classification provided. Collection method: in vitro. Allele origin: not applicable. Functional consequence: retained intron. Not counted in ClinVar's aggregate classification.

Literature cited by the submitters: PubMed 21291454 (cited by Laboratory of Diagnosis and Therapy of Lysosomal Disorders, University of Padova); PubMed 9875019 (cited by Laboratory of Diagnosis and Therapy of Lysosomal Disorders, University of Padova).